The following is an entry in ClinVar:

ClinVar aggregate classification (germline): Conflicting classifications of pathogenicity. Review status: criteria provided, conflicting classifications (1 of 4 stars). 3 submissions from 3 submitters: Uncertain significance (1); Likely benign (2). Last evaluated 2025-07-09.

Conditions:
Charcot-Marie-Tooth disease axonal type 2O. Also called: CHARCOT-MARIE-TOOTH NEUROPATHY, AXONAL, TYPE 2O; CHARCOT-MARIE-TOOTH DISEASE, AXONAL, AUTOSOMAL DOMINANT, TYPE 2O; Charcot-Marie-Tooth Neuropathy Type 2O; Charcot-Marie-Tooth disease, axonal, type 20. Identifiers: Orphanet 284232, MedGen C3280220, MONDO:0013644, OMIM 614228.

Allele frequency attached by ClinVar (database versions not stated): ExAC 0.00001; gnomAD exomes 0.00001; gnomAD 0.00003 and 0.00004; TOPMed 0.00003.
gnomAD v4.1: 25 of 1,614,102 alleles (0.0015%); highest among the groups gnomAD compares: South Asian, 0.0022%; no homozygotes.

Submissions (3):

Women's Health and Genetics/Laboratory Corporation of America, LabCorp
Classification: Uncertain significance. Last evaluated: 2025-07-09. Review status: criteria provided, single submitter. Criteria: LabCorp Variant Classification Summary - May 2015. Collection method: clinical testing. Allele origin: germline.
Comment: Variant summary: DYNC1H1 c.5284G>A (p.Val1762Met) results in a conservative amino acid change in the encoded protein sequence. Algorithms developed to predict the effect of missense changes on protein structure and function are either unavailable or do not agree on the potential impact of this missense change. The variant allele was found at a frequency of 2.5e-05 in 282812 control chromosomes, predominantly at a frequency of 5.4e-05 within the Non-Finnish European subpopulation in the gnomAD database. The available data on variant occurrences in the general population are insufficient to allow any conclusion about variant significance. To our knowledge, no occurrence of c.5284G>A in individuals affected with Charcot-Marie-Tooth disease axonal type 2O and no experimental evidence demonstrating its impact on protein function have been reported. ClinVar contains an entry for this variant (Variation ID: 539786). Based on the evidence outlined above, the variant was classified as uncertain significance.

Labcorp Genetics (formerly Invitae), Labcorp
Classification: Likely benign for Charcot-Marie-Tooth disease axonal type 2O. Last evaluated: 2025-03-31. Review status: criteria provided, single submitter. Criteria: Invitae Variant Classification Sherloc (09022015). Collection method: clinical testing. Allele origin: germline.

GeneDx
Classification: Likely benign. Last evaluated: 2020-10-29. Review status: criteria provided, single submitter. Criteria: GeneDx Variant Classification Process June 2021. Collection method: clinical testing. Allele origin: germline. Affected: yes.

NM_001376.5(DYNC1H1):c.5284G>A (p.Val1762Met)

Gene: DYNC1H1 (dynein cytoplasmic 1 heavy chain 1; plus strand). Cytogenetic location: 14q32.31.
Variant type: single nucleotide variant.
Coding change: c.5284G>A on transcript NM_001376.5 (MANE Select); coding-DNA position 5284, G replaced by A.
Protein change: p.Val1762Met; replaces valine 1762 with methionine.
Molecular consequence: missense variant.
Genome position (GRCh38, 1-based): chr14:102,005,087, G>A. VCF-style: chr14-102005087-G-A. GRCh37 (hg19) VCF-style: chr14-102471424-G-A.
Other names: short protein forms V1762M.
Identifiers: ClinVar variation 539786 (VCV000539786.10), dbSNP rs780345145, ClinGen allele CA7352388.
Genomic context (GRCh38, chr14:102,005,087, plus strand): 5'-TTCTGTGTCTTTCAGGCCCAGCTTGTGGTTTTGTCAGCCCAGATAGCCTGGTCTGAGAAC[G>A]TGGAGACCGCACTGAGCAGCATGGGCGGAGGTGGAGATGCCGCGCCCTTGCACTCTGTGC-3'
Protein context (NP_001367.2, residues 1752-1772): LSAQIAWSEN[Val1762Met]ETALSSMGGG